The following is an entry in ClinVar:

ClinVar aggregate classification (germline): Uncertain significance. Review status: criteria provided, multiple submitters, no conflicts (2 of 4 stars). 3 submissions from 3 submitters: Uncertain significance (3). Last evaluated 2025-12-16.

Conditions:
TNXB-related disorder. Also called: TNXB-related condition.
Cardiovascular phenotype. Identifiers: MedGen CN230736.

Allele frequency attached by ClinVar (database versions not stated): ExAC 0.00006; gnomAD 0.00006 and 0.00007; 1000 Genomes Project 0.00060; 1000 Genomes Project 30x 0.00094; gnomAD exomes 0.00004; TOPMed 0.00005.

Submissions (3):

Ambry Genetics
Classification: Uncertain significance for Cardiovascular phenotype. Last evaluated: 2025-12-16. Review status: criteria provided, single submitter. Criteria: Ambry Variant Classification Scheme 2023. Collection method: clinical testing. Allele origin: germline.

PreventionGenetics, part of Exact Sciences
Classification: Uncertain significance for TNXB-related condition. Last evaluated: 2025-03-22. Review status: criteria provided, single submitter. Criteria: ACMG Guidelines, 2015. Collection method: clinical testing. Allele origin: germline.
Comment: The TNXB c.6508C>T variant is predicted to result in the amino acid substitution p.Arg2170Trp. To our knowledge, this variant has not been reported in the literature. This variant is reported in 0.021% of alleles in individuals of African descent in gnomAD. At this time, the clinical significance of this variant is uncertain due to the absence of conclusive functional and genetic evidence.

GeneDx
Classification: Uncertain significance. Last evaluated: 2022-02-23. Review status: criteria provided, single submitter. Criteria: GeneDx Variant Classification Process June 2021. Collection method: clinical testing. Allele origin: germline. Affected: yes.
Comment: Has not been previously published as pathogenic or benign to our knowledge; In silico analysis supports that this missense variant does not alter protein structure/function

NM_001365276.2(TNXB):c.6508C>T (p.Arg2170Trp)

Gene: TNXB (tenascin XB; minus strand). Cytogenetic location: 6p21.33.
Variant type: single nucleotide variant.
Coding change: c.6508C>T on transcript NM_001365276.2 (MANE Select); coding-DNA position 6508, C replaced by T.
Protein change: p.Arg2170Trp; replaces arginine 2170 with tryptophan.
Molecular consequence: missense variant.
Genome position (GRCh38, 1-based): chr6:32,067,697, G>A on the plus strand (C>T on the coding strand, the complement: TNXB is on the minus strand). VCF-style: chr6-32067697-G-A. GRCh37 (hg19) VCF-style: chr6-32035474-G-A.
Other names: c.6508C>T, p.Arg2170Trp (NM_019105.8); short protein forms R2170W.
Identifiers: ClinVar variation 1312541 (VCV001312541.7), dbSNP rs184875282, ClinGen allele CA3734411.